The following is an entry in ClinVar:

NM_006514.4(SCN10A):c.2208C>G (p.Ile736Met)

Gene: SCN10A (sodium voltage-gated channel alpha subunit 10; minus strand). Cytogenetic location: 3p22.2.
Variant type: single nucleotide variant.
Coding change: c.2208C>G on transcript NM_006514.4 (MANE Select); coding-DNA position 2208, C replaced by G.
Protein change: p.Ile736Met; replaces isoleucine 736 with methionine.
Molecular consequence: missense variant.
Genome position (GRCh38, 1-based): chr3:38,739,587, G>C on the plus strand (C>G on the coding strand, the complement: SCN10A is on the minus strand). VCF-style: chr3-38739587-G-C. GRCh37 (hg19) VCF-style: chr3-38781078-G-C.
Other names: c.2208C>G, p.Ile736Met (NM_001293306.2); c.1914C>G, p.Ile638Met (NM_001293307.2); c.2208C>G (NM_006514.2); short protein forms I638M, I736M.
Identifiers: ClinVar variation 2086514 (VCV002086514.5), dbSNP rs754351607, ClinGen allele CA352164338.
Genomic context (GRCh38, chr3:38,739,587, plus strand): 5'-CCGCAGCACAGACAGGCTTCCCTTCTTGGCCACGCCCAGCTCTAGCAGACTCACAGTGAC[G>C]ATGATGCAGTCAAAGATATTCCACTTCTTCTGGAAATAATAGTATGGGTCGAAGGCAATG-3'
Protein context (NP_006505.4, residues 726-746): QKKWNIFDCI[Ile736Met]VTVSLLELGV

ClinVar aggregate classification (germline): Uncertain significance. Review status: criteria provided, multiple submitters, no conflicts (2 of 4 stars). 2 submissions from 2 submitters: Uncertain significance (2). Last evaluated 2025-08-20.

Conditions:
Cardiovascular phenotype. Identifiers: MedGen CN230736.
Brugada syndrome. Also called: Sudden unexpected nocturnal death syndrome; Sudden Unexplained Death Syndrome; Sudden Unexplained Nocturnal Death Syndrome (SUNDS); Sudden unexplained nocturnal death syndrome. Identifiers: Orphanet 130, MedGen C1142166, MONDO:0015263.

gnomAD v4.1: 2 of 1,614,128 alleles (0.00012%); highest among the groups gnomAD compares: Non-Finnish European, 0.00017%; no homozygotes.

Submissions (2):

Ambry Genetics
Classification: Uncertain significance for Cardiovascular phenotype. Last evaluated: 2025-08-20. Review status: criteria provided, single submitter. Criteria: Ambry Variant Classification Scheme 2023. Collection method: clinical testing. Allele origin: germline.
Comment: The p.I736M variant (also known as c.2208C>G), located in coding exon 14 of the SCN10A gene, results from a C to G substitution at nucleotide position 2208. The isoleucine at codon 736 is replaced by methionine, an amino acid with highly similar properties. This amino acid position is conserved. In addition, the in silico prediction for this alteration is inconclusive. Based on the available evidence, the clinical significance of this variant remains unclear.

Labcorp Genetics (formerly Invitae), Labcorp
Classification: Uncertain significance for Brugada syndrome. Last evaluated: 2022-07-11. Review status: criteria provided, single submitter. Criteria: Invitae Variant Classification Sherloc (09022015). Collection method: clinical testing. Allele origin: germline.
Comment: In summary, the available evidence is currently insufficient to determine the role of this variant in disease. Therefore, it has been classified as a Variant of Uncertain Significance. Advanced modeling of protein sequence and biophysical properties (such as structural, functional, and spatial information, amino acid conservation, physicochemical variation, residue mobility, and thermodynamic stability) performed at Invitae indicates that this missense variant is expected to disrupt SCN10A protein function. This variant has not been reported in the literature in individuals affected with SCN10A-related conditions. This variant is not present in population databases (gnomAD no frequency). This sequence change replaces isoleucine, which is neutral and non-polar, with methionine, which is neutral and non-polar, at codon 736 of the SCN10A protein (p.Ile736Met).